The following is an entry in ClinVar:

ClinVar aggregate classification (germline): Uncertain significance (1 of 4 stars; one submission).

Conditions:
Epileptic encephalopathy. Identifiers: MedGen C0543888, HP:0200134.

Allele frequency attached by ClinVar (database versions not stated): gnomAD exomes 0.00009 and 0.00018; 1000 Genomes Project 30x 0.00016; ExAC 0.00009; ESP Exome Variant Server 0.00016; gnomAD 0.00009; TOPMed 0.00006.

Submission:

Labcorp Genetics (formerly Invitae), Labcorp
Classification: Uncertain significance for Epileptic encephalopathy. Last evaluated: 2022-03-19. Review status: criteria provided, single submitter. Criteria: Invitae Variant Classification Sherloc (09022015). Collection method: clinical testing. Allele origin: germline.
Comment: Algorithms developed to predict the effect of missense changes on protein structure and function (SIFT, PolyPhen-2, Align-GVGD) all suggest that this variant is likely to be disruptive. In summary, the available evidence is currently insufficient to determine the role of this variant in disease. Therefore, it has been classified as a Variant of Uncertain Significance. This sequence change replaces glycine, which is neutral and non-polar, with glutamic acid, which is acidic and polar, at codon 701 of the RYR3 protein (p.Gly701Glu). This variant is present in population databases (rs200346395, gnomAD 0.02%). This variant has not been reported in the literature in individuals affected with RYR3-related conditions. ClinVar contains an entry for this variant (Variation ID: 531001).

NM_001036.6(RYR3):c.2102G>A (p.Gly701Glu)

Gene: RYR3 (ryanodine receptor 3; plus strand). Cytogenetic location: 15q14.
Variant type: single nucleotide variant.
Coding change: c.2102G>A on transcript NM_001036.6 (MANE Select); coding-DNA position 2102, G replaced by A.
Protein change: p.Gly701Glu; replaces glycine 701 with glutamic acid.
Molecular consequence: missense variant.
Genome position (GRCh38, 1-based): chr15:33,603,302, G>A. VCF-style: chr15-33603302-G-A. GRCh37 (hg19) VCF-style: chr15-33895503-G-A.
Other names: c.2102G>A, p.Gly701Glu (NM_001243996.4); short protein forms G701E.
Identifiers: ClinVar variation 531001 (VCV000531001.12), dbSNP rs200346395, ClinGen allele CA7458326.
Genomic context (GRCh38, chr15:33,603,302, plus strand): 5'-GGGTGGGCTGGGCCTCTTCTTCAGGCTATGCCCCATACCCAGGAGGTGGAGAAGGATGGG[G>A]AGGCAATGGTGTTGGTGACGACCTGTACTCCTATGGCTTTGATGGACTTCACCTTTGGTC-3'
Protein context (NP_001027.3, residues 691-711): APYPGGGEGW[Gly701Glu]GNGVGDDLYS